The following is an entry in ClinVar:

NM_000137.4(FAH):c.1117A>G (p.Ile373Val)

Gene: FAH (fumarylacetoacetate hydrolase; plus strand). Cytogenetic location: 15q25.1.
Variant type: single nucleotide variant.
Coding change: c.1117A>G on transcript NM_000137.4 (MANE Select); coding-DNA position 1117, A replaced by G.
Protein change: p.Ile373Val; replaces isoleucine 373 with valine.
Molecular consequence: missense variant.
Genome position (GRCh38, 1-based): chr15:80,181,096, A>G. VCF-style: chr15-80181096-A-G. GRCh37 (hg19) VCF-style: chr15-80473438-A-G.
Other names: p.Ile373Val; c.1117A>G, p.Ile373Val (NM_001374377.1, NM_001374380.1); c.1117A>G (NM_000137.3); short protein forms I373V.
Identifiers: ClinVar variation 2629479 (VCV002629479.4), dbSNP rs377280169, ClinGen allele CA7691495.
Genomic context (GRCh38, chr15:80,181,096, plus strand): 5'-ATGAAGGAGCCAGAAAACTTCGGCTCCATGTTGGAACTGTCGTGGAAGGGAACGAAGCCC[A>G]TAGACCTGGGGAATGGTCAGACCAGGAAGTTTCTGCTGGACGGGGATGAAGTCATCATAA-3'
Protein context (NP_000128.1, residues 363-383): LELSWKGTKP[Ile373Val]DLGNGQTRKF

ClinVar aggregate classification (germline): Uncertain significance. Review status: criteria provided, multiple submitters, no conflicts (2 of 4 stars). 3 submissions from 3 submitters: Uncertain significance (3). Last evaluated 2025-10-15.

Conditions:
FAH-related disorder. Also called: FAH-related condition.
Inborn genetic diseases. Identifiers: MedGen C0950123, MeSH D030342.

Allele frequency attached by ClinVar (database versions not stated): gnomAD exomes below 0.00001; ExAC 0.00002; gnomAD 0.00002; TOPMed 0.00002; ESP Exome Variant Server 0.00008.
gnomAD v4.1: 6 of 1,613,880 alleles (0.00037%); highest among the groups gnomAD compares: African/African-American, 0.0053%; no homozygotes.

Submissions (3):

PreventionGenetics, part of Exact Sciences
Classification: Uncertain significance for FAH-related condition. Last evaluated: 2025-10-15. Review status: criteria provided, single submitter. Criteria: ACMG Guidelines, 2015. Collection method: clinical testing. Allele origin: germline.
Comment: The FAH c.1117A>G variant is predicted to result in the amino acid substitution p.Ile373Val. To our knowledge, this variant has not been reported in the literature. This variant is reported in 0.0056% of alleles in individuals of Latino descent in gnomAD. At this time, the clinical significance of this variant is uncertain due to the absence of conclusive functional and genetic evidence.

Ambry Genetics
Classification: Uncertain significance for Inborn genetic diseases. Last evaluated: 2024-12-07. Review status: criteria provided, single submitter. Criteria: Ambry Variant Classification Scheme 2023. Collection method: clinical testing. Allele origin: germline.

Mayo Clinic Laboratories, Mayo Clinic
Classification: Uncertain significance. Last evaluated: 2023-11-21. Review status: criteria provided, single submitter. Criteria: ACMG Guidelines, 2015. Collection method: clinical testing. Allele origin: germline. Observed: 1 variant allele.
Comment: PM2_moderate